The following is an entry in ClinVar:

ClinVar aggregate classification (germline): Uncertain significance (1 of 4 stars; one submission).

Conditions:
Combined oxidative phosphorylation defect type 27. Also called: Combined oxidative phosphorylation deficiency 27. Identifiers: Orphanet 477774, MedGen C5567608, MONDO:0014728, OMIM 616672.

Allele frequency attached by ClinVar (database versions not stated): gnomAD exomes below 0.00001; gnomAD 0.00001.
gnomAD v4.1: 3 of 1,613,950 alleles (0.00019%); highest among the groups gnomAD compares: African/African-American, 0.004%; no homozygotes.

Submission:

Labcorp Genetics (formerly Invitae), Labcorp
Classification: Uncertain significance for Combined oxidative phosphorylation defect type 27. Last evaluated: 2020-02-01. Review status: criteria provided, single submitter. Criteria: Invitae Variant Classification Sherloc (09022015). Collection method: clinical testing. Allele origin: germline.
Comment: This sequence change replaces arginine with isoleucine at codon 445 of the CARS2 protein (p.Arg445Ile). The arginine residue is highly conserved and there is a moderate physicochemical difference between arginine and isoleucine. This variant is not present in population databases (ExAC no frequency). This variant has not been reported in the literature in individuals with CARS2-related disease. Algorithms developed to predict the effect of missense changes on protein structure and function are either unavailable or do not agree on the potential impact of this missense change (SIFT: "Tolerated"; PolyPhen-2: "Probably Damaging"; Align-GVGD: "Class C0"). In summary, the available evidence is currently insufficient to determine the role of this variant in disease. Therefore, it has been classified as a Variant of Uncertain Significance.

NM_024537.4(CARS2):c.1334G>T (p.Arg445Ile)

Gene: CARS2 (cysteinyl-tRNA synthetase 2, mitochondrial; minus strand). Cytogenetic location: 13q34.
Variant type: single nucleotide variant.
Coding change: c.1334G>T on transcript NM_024537.4 (MANE Select); coding-DNA position 1334, G replaced by T.
Protein change: p.Arg445Ile; replaces arginine 445 with isoleucine.
Molecular consequence: missense variant. On other transcripts: non-coding transcript variant (2).
Genome position (GRCh38, 1-based): chr13:110,644,467, C>A on the plus strand (G>T on the coding strand, the complement: CARS2 is on the minus strand). VCF-style: chr13-110644467-C-A. GRCh37 (hg19) VCF-style: chr13-111296814-C-A.
Other names: c.548G>T, p.Arg183Ile (NM_001352252.2); short protein forms R183I, R445I.
Identifiers: ClinVar variation 644191 (VCV000644191.9), dbSNP rs1594210396, ClinGen allele CA388742050.